The following is an entry in ClinVar:

NM_000535.7(PMS2):c.537+16C>T

Gene: PMS2 (PMS1 homolog 2, mismatch repair system component; minus strand). Cytogenetic location: 7p22.1.
Variant type: single nucleotide variant.
Coding change: c.537+16C>T on transcript NM_000535.7 (MANE Select); 16 bases into the intron after coding-DNA position 537, C replaced by T.
Molecular consequence: intron variant.
Genome position (GRCh38, 1-based): chr7:6,002,437, G>A on the plus strand (C>T on the coding strand, the complement: PMS2 is on the minus strand). VCF-style: chr7-6002437-G-A. GRCh37 (hg19) VCF-style: chr7-6042068-G-A.
Other names: c.219+16C>T (NM_001322008.2, NM_001322007.2); c.132+16C>T (NM_001322010.2, NM_001322004.2, NM_001322013.2 and 3 more transcripts); c.-348+16C>T (NM_001322012.2, NM_001322011.2); c.228+16C>T (NM_001322015.2); c.537+16C>T (NM_001322006.2, NM_001322014.2).
Identifiers: ClinVar variation 381498 (VCV000381498.3), dbSNP rs1057521052, ClinGen allele CA16605850.

ClinVar aggregate classification (germline): Likely benign. Review status: criteria provided, multiple submitters, no conflicts (2 of 4 stars). 2 submissions from 2 submitters: Likely benign (2). Last evaluated 2024-08-06.

Conditions:
Hereditary nonpolyposis colorectal neoplasms. Identifiers: MedGen C0009405, MeSH D003123.

Submissions (2):

Labcorp Genetics (formerly Invitae), Labcorp
Classification: Likely benign for Hereditary nonpolyposis colorectal neoplasms. Last evaluated: 2024-08-06. Review status: criteria provided, single submitter. Criteria: Invitae Variant Classification Sherloc (09022015). Collection method: clinical testing. Allele origin: germline.

GeneDx
Classification: Likely benign. Last evaluated: 2015-11-12. Review status: criteria provided, single submitter. Criteria: GeneDx Variant Classification (06012015). Collection method: clinical testing. Allele origin: germline. Affected: yes.
Comment: This variant is considered likely benign or benign based on one or more of the following criteria: it is a conservative change, it occurs at a poorly conserved position in the protein, it is predicted to be benign by multiple in silico algorithms, and/or has population frequency not consistent with disease.